The following is an entry in ClinVar:

ClinVar aggregate classification (germline): Uncertain significance (1 of 4 stars; one submission).

Conditions:
Familial thoracic aortic aneurysm and aortic dissection (TAAD). Also called: Thoracic aortic aneurysms and dissections. Identifiers: Orphanet 91387, MedGen C4707243, MONDO:0019625.

Submission:

Color Diagnostics, LLC DBA Color Health
Classification: Uncertain significance for Familial thoracic aortic aneurysm and aortic dissection. Last evaluated: 2019-08-27. Review status: criteria provided, single submitter. Criteria: ACMG Guidelines, 2015. Collection method: clinical testing. Allele origin: germline.
Comment: This missense variant replaces aspartic acid with glycine at codon 1318 of the COL3A1 protein. Computational prediction tools and conservation analyses suggest that this variant may not impact protein structure and function. Splice site prediction tools suggest that this variant may not impact RNA splicing. To our knowledge, functional studies have not been performed for this variant. This variant has not been reported in individuals affected with cardiovascular disorders in the literature. This variant has not been identified in the general population by the Genome Aggregation Database (gnomAD). The available evidence is insufficient to determine the role of this variant in disease conclusively. Therefore, this variant is classified as a Variant of Uncertain Significance.

NM_000090.4(COL3A1):c.3953A>G (p.Asp1318Gly)

Gene: COL3A1 (collagen type III alpha 1 chain; plus strand). Cytogenetic location: 2q32.2.
Variant type: single nucleotide variant.
Coding change: c.3953A>G on transcript NM_000090.4 (MANE Select); coding-DNA position 3953, A replaced by G.
Protein change: p.Asp1318Gly; replaces aspartic acid 1318 with glycine.
Molecular consequence: missense variant.
Genome position (GRCh38, 1-based): chr2:189,010,307, A>G. VCF-style: chr2-189010307-A-G. GRCh37 (hg19) VCF-style: chr2-189875033-A-G.
Other names: short protein forms D1318G.
Identifiers: ClinVar variation 922382 (VCV000922382.3), dbSNP rs1688692973, ClinGen allele CA349848715.